The following is an entry in ClinVar:

ClinVar aggregate classification (germline): Uncertain significance (1 of 4 stars; one submission).

Conditions:
Carnitine palmitoyl transferase 1A deficiency. Also called: Carnitine palmitoyltransferase type I deficiency; Carnitine palmitoyltransferase 1A deficiency; CPT deficiency, hepatic, type IA; CPT I DEFICIENCY; CPT DEFICIENCY, HEPATIC, TYPE I. Identifiers: Orphanet 156, MedGen C1829703, MONDO:0009705, OMIM 255120.

Allele frequency attached by ClinVar (database versions not stated): TOPMed below 0.00001; gnomAD 0.00001; gnomAD exomes 0.00001.
gnomAD v4.1: 10 of 1,614,090 alleles (0.00062%); highest among the groups gnomAD compares: African/African-American, 0.0013%; no homozygotes.

Submission:

Labcorp Genetics (formerly Invitae), Labcorp
Classification: Uncertain significance for Carnitine palmitoyl transferase 1A deficiency. Last evaluated: 2022-05-28. Review status: criteria provided, single submitter. Criteria: Invitae Variant Classification Sherloc (09022015). Collection method: clinical testing. Allele origin: germline.
Comment: This sequence change replaces alanine, which is neutral and non-polar, with threonine, which is neutral and polar, at codon 272 of the CPT1A protein (p.Ala272Thr). This variant is not present in population databases (gnomAD no frequency). This variant has not been reported in the literature in individuals affected with CPT1A-related conditions. Algorithms developed to predict the effect of missense changes on protein structure and function are either unavailable or do not agree on the potential impact of this missense change (SIFT: "Deleterious"; PolyPhen-2: "Possibly Damaging"; Align-GVGD: "Class C0"). In summary, the available evidence is currently insufficient to determine the role of this variant in disease. Therefore, it has been classified as a Variant of Uncertain Significance.

NM_001876.4(CPT1A):c.814G>A (p.Ala272Thr)

Gene: CPT1A (carnitine palmitoyltransferase 1A; minus strand). Cytogenetic location: 11q13.3.
Variant type: single nucleotide variant.
Coding change: c.814G>A on transcript NM_001876.4 (MANE Select); coding-DNA position 814, G replaced by A.
Protein change: p.Ala272Thr; replaces alanine 272 with threonine.
Molecular consequence: missense variant.
Genome position (GRCh38, 1-based): chr11:68,794,869, C>T on the plus strand (G>A on the coding strand, the complement: CPT1A is on the minus strand). VCF-style: chr11-68794869-C-T. GRCh37 (hg19) VCF-style: chr11-68562337-C-T.
Other names: c.814G>A, p.Ala272Thr (NM_001031847.3); short protein forms A272T.
Identifiers: ClinVar variation 1989484 (VCV001989484.1), dbSNP rs1195506902, ClinGen allele CA381634609.